The following is an entry in ClinVar:

NM_032043.3(BRIP1):c.3319C>T (p.Leu1107=)

Gene: BRIP1 (BRCA1 interacting DNA helicase 1; minus strand). Cytogenetic location: 17q23.2.
Variant type: single nucleotide variant.
Coding change: c.3319C>T on transcript NM_032043.3 (MANE Select); coding-DNA position 3319, C replaced by T.
Protein change: p.Leu1107=; no amino-acid change (leucine 1107 retained).
Molecular consequence: synonymous variant.
Genome position (GRCh38, 1-based): chr17:61,683,727, G>A on the plus strand (C>T on the coding strand, the complement: BRIP1 is on the minus strand). VCF-style: chr17-61683727-G-A. GRCh37 (hg19) VCF-style: chr17-59761088-G-A.
Identifiers: ClinVar variation 1730165 (VCV001730165.3), dbSNP rs2061311711, ClinGen allele CA501335156.

ClinVar aggregate classification (germline): Benign/Likely benign. Review status: criteria provided, multiple submitters, no conflicts (2 of 4 stars). 2 submissions from 2 submitters: Benign (1); Likely benign (1). Last evaluated 2024-09-10.

Conditions:
Hereditary cancer-predisposing syndrome. Also called: Neoplastic Syndromes, Hereditary; Tumor predisposition; Hereditary Cancer Syndrome; Hereditary neoplastic syndrome. Identifiers: Orphanet 140162, MedGen C0027672, MeSH D009386, MONDO:0015356.
Familial cancer of breast. Also called: BREAST CANCER, FAMILIAL; Hereditary breast cancer; hereditary breast carcinoma. Identifiers: Orphanet 227535, MedGen C0346153, MONDO:0016419, OMIM 114480. Disease mechanism: loss of function.

Submissions (2):

Myriad Genetics, Inc.
Classification: Benign for Familial cancer of breast. Last evaluated: 2024-09-10. Review status: criteria provided, single submitter. Criteria: Myriad Autosomal Dominant, Autosomal Recessive and X-Linked Classification Criteria (2023). Collection method: clinical testing. Allele origin: unknown.
Comment: This variant is considered benign. This variant is a silent/synonymous amino acid change and it is not expected to impact splicing.

Ambry Genetics
Classification: Likely benign for Hereditary cancer-predisposing syndrome. Last evaluated: 2022-08-30. Review status: criteria provided, single submitter. Criteria: Ambry Variant Classification Scheme 2023. Collection method: clinical testing. Allele origin: germline.